The following is an entry in ClinVar:

ClinVar aggregate classification (germline): Benign. Review status: criteria provided, multiple submitters, no conflicts (2 of 4 stars). 2 submissions from 2 submitters: Benign (2). Last evaluated 2018-06-14.

Allele frequency attached by ClinVar (database versions not stated): 1000 Genomes Project 0.30092; TOPMed 0.34651; gnomAD 0.34783 and 0.35368; gnomAD exomes 0.35078.

Submissions (2):

GeneDx
Classification: Benign. Last evaluated: 2018-06-14. Review status: criteria provided, single submitter. Criteria: GeneDx Variant Classification (06012015). Collection method: clinical testing. Allele origin: germline. Affected: yes.
Comment: This variant is considered likely benign or benign based on one or more of the following criteria: it is a conservative change, it occurs at a poorly conserved position in the protein, it is predicted to be benign by multiple in silico algorithms, and/or has population frequency not consistent with disease.

Breakthrough Genomics
Classification: Benign. Review status: criteria provided, single submitter. Criteria: ACMG Guidelines, 2015. Collection method: not provided. Allele origin: germline. Inheritance: Unknown mechanism. Affected: yes.

NM_001032283.3(TMPO):c.280-131G>T

Gene: TMPO (thymopoietin; plus strand). Cytogenetic location: 12q23.1.
Variant type: single nucleotide variant.
Coding change: c.280-131G>T on transcript NM_001032283.3 (MANE Select); 131 bases into the intron before coding-DNA position 280, G replaced by T.
Molecular consequence: intron variant.
Genome position (GRCh38, 1-based): chr12:98,527,755, G>T. VCF-style: chr12-98527755-G-T. GRCh37 (hg19) VCF-style: chr12-98921533-G-T.
Other names: c.280-131G>T (NM_003276.2, NM_001307975.2, NM_001032284.3).
Identifiers: ClinVar variation 672959 (VCV000672959.2), dbSNP rs7136406, ClinGen allele CA13728461.